The following is an entry in ClinVar:

NM_198428.3(BBS9):c.1873G>A (p.Glu625Lys)

Gene: BBS9 (Bardet-Biedl syndrome 9; plus strand). Cytogenetic location: 7p14.3.
Variant type: single nucleotide variant.
Coding change: c.1873G>A on transcript NM_198428.3 (MANE Select); coding-DNA position 1873, G replaced by A.
Protein change: p.Glu625Lys; replaces glutamic acid 625 with lysine.
Molecular consequence: missense variant. On other transcripts: non-coding transcript variant (3).
Genome position (GRCh38, 1-based): chr7:33,383,749, G>A. VCF-style: chr7-33383749-G-A. GRCh37 (hg19) VCF-style: chr7-33423361-G-A.
Other names: c.1768G>A, p.Glu590Lys (NM_001033604.2); c.1858G>A, p.Glu620Lys (NM_001033605.2); c.1873G>A, p.Glu625Lys (NM_001348036.1, NM_001348041.4, NM_001348043.3 and 1 more transcripts); c.1507G>A, p.Glu503Lys (NM_001348037.3, NM_001348045.3, NM_001348046.3); c.1600G>A, p.Glu534Lys (NM_001348038.3); c.1495G>A, p.Glu499Lys (NM_001348039.3); c.1753G>A, p.Glu585Lys (NM_001348040.3, NM_014451.4); c.1738G>A, p.Glu580Lys (NM_001348042.3); and 1 more; short protein forms E468K, E499K, E503K, E534K, E580K, E585K, E590K, E620K.
Identifiers: ClinVar variation 3354586 (VCV003354586.1).

ClinVar aggregate classification (germline): Uncertain significance (0 of 4 stars; one submission).

Conditions:
BBS9-related disorder. Also called: BBS9-related condition.

Submission:

PreventionGenetics, part of Exact Sciences
Classification: Uncertain significance for BBS9-related condition. Last evaluated: 2023-12-21. Review status: no assertion criteria provided. Collection method: clinical testing. Allele origin: germline.
Comment: The BBS9 c.1873G>A variant is predicted to result in the amino acid substitution p.Glu625Lys. To our knowledge, this variant has not been reported in the literature or in gnomAD, indicating this variant is rare. At this time, the clinical significance of this variant is uncertain due to the absence of conclusive functional and genetic evidence.